The following is an entry in ClinVar:

ClinVar aggregate classification (germline): Pathogenic (1 of 4 stars; one submission).

Conditions:
Colorectal cancer, hereditary nonpolyposis, type 7. Identifiers: Orphanet 144, MedGen C1858380, MONDO:0013725, OMIM 614385.

Submission:

Myriad Genetics, Inc.
Classification: Pathogenic for Colorectal cancer, hereditary nonpolyposis, type 7. Last evaluated: 2025-11-18. Review status: criteria provided, single submitter. Criteria: Myriad Autosomal Dominant, Autosomal Recessive and X-Linked Classification Criteria (2023). Collection method: clinical testing. Allele origin: unknown.
Comment: This variant is considered pathogenic. This variant creates a frameshift predicted to result in premature protein truncation.

NM_001040108.2(MLH3):c.3632del (p.Asn1211fs)

Gene: MLH3 (mutL homolog 3; minus strand). Cytogenetic location: 14q24.3.
Variant type: Deletion.
Coding change: c.3632del on transcript NM_001040108.2 (MANE Select); coding-DNA position 3632, one base deleted (A; older notation c.3632delA).
Protein change: p.Asn1211fs; shifts the reading frame from asparagine 1211.
Molecular consequence: frameshift variant.
Genome position (GRCh38, 1-based): chr14:75,038,351, T deleted on the plus strand (A on the coding strand, the reverse complement: MLH3 is on the minus strand); the first of 2 consecutive T bases (chr14:75,038,351-75,038,352); deleting either gives the same sequence. VCF-style (leftmost placement, unchanged base first): chr14-75038350-AT-A. GRCh37 (hg19) VCF-style: chr14-75505053-AT-A.
Other names: c.3632del, p.Asn1211fs (NM_014381.3); short protein forms N1211fs.
Identifiers: ClinVar variation 4812995 (VCV004812995.1).
Genomic context (GRCh38, chr14:75,038,350, plus strand): 5'-GTTACAAGAAGACCAGCTGGTTAATCATTCAGGCTAAACTCCATTCTTACCTGCCTCGCC[AT>A]TCTCTTCAGTCTTAGTGCTCATCAAACAGGCAATAAACTTGTTATCTACTTGCTGGAGAA-3'